The following is an entry in ClinVar:

ClinVar aggregate classification (germline): Likely benign (1 of 4 stars; one submission).

Submission:

CeGaT Center for Human Genetics Tuebingen
Classification: Likely benign. Last evaluated: 2026-09-01. Review status: criteria provided, single submitter. Criteria: CeGaT Center For Human Genetics Tuebingen Variant Classification Criteria Version 2. Collection method: clinical testing. Allele origin: germline. Affected: yes. Observed: 1 variant allele.
Comment: ATP5MGL: PM2:Supporting, BP4, BP7

NM_001165877.1(ATP5MGL):c.123C>G (p.Pro41=)

Genes: ATP5MGL (ATP synthase membrane subunit g like; minus strand), CYB5R3 (cytochrome b5 reductase 3; minus strand). Cytogenetic location: 22q13.2.
Variant type: single nucleotide variant.
Coding change: c.123C>G on transcript NM_001165877.1 (MANE Select); coding-DNA position 123, C replaced by G.
Protein change: p.Pro41=; no amino-acid change (proline 41 retained).
Molecular consequence: synonymous variant. On other transcripts: intron variant (5).
Genome position (GRCh38, 1-based): chr22:42,640,152, G>C on the plus strand (C>G on the coding strand, the complement: ATP5MGL is on the minus strand). VCF-style: chr22-42640152-G-C. GRCh37 (hg19) VCF-style: chr22-43036158-G-C.
Other names: c.22-3306C>G (NM_000398.7); c.-48-3306C>G (NM_007326.4, NM_001171661.1, NM_001129819.2); c.121-3306C>G (NM_001171660.2).
Identifiers: ClinVar variation 5041296 (VCV005041296.1).
Genomic context (GRCh38, chr22:42,640,152, plus strand): 5'-CTGAGCACTACTGACTATTTTTTTCAGGCTCTGAATAGCTCTAGGGATCTCAGCAGGGGT[G>C]GGAGGAACCAGCTCAACCGTGGTGTAGTACCAAAATGCGGCCAATCGAGGCTTCAAGTAA-3'
Protein context (NP_001159349.1, residues 31-51): WYYTTVELVP[Pro41=]TPAEIPRAIQ